The following is an entry in ClinVar:

NM_004991.4(MECOM):c.3418T>C (p.Tyr1140His)

Gene: MECOM (MDS1 and EVI1 complex locus; minus strand). Cytogenetic location: 3q26.2.
Variant type: single nucleotide variant.
Coding change: c.3418T>C on transcript NM_004991.4 (MANE Select); coding-DNA position 3418, T replaced by C.
Protein change: p.Tyr1140His; replaces tyrosine 1140 with histidine.
Molecular consequence: missense variant.
Genome position (GRCh38, 1-based): chr3:169,089,167, A>G on the plus strand (T>C on the coding strand, the complement: MECOM is on the minus strand). VCF-style: chr3-169089167-A-G. GRCh37 (hg19) VCF-style: chr3-168806955-A-G.
Other names: c.3049T>C, p.Tyr1017His (NM_001105077.4); c.2854T>C, p.Tyr952His (NM_001105078.4, NM_001205194.2, NM_001366469.2 and 1 more transcripts); c.2830T>C, p.Tyr944His (NM_001163999.2, NM_001366470.2); c.2827T>C, p.Tyr943His (NM_001164000.2, NM_001366471.2, NM_001366472.2); c.3391T>C, p.Tyr1131His (NM_001366466.2); c.2857T>C, p.Tyr953His (NM_001366467.2, NM_001366468.2); c.2419T>C, p.Tyr807His (NM_001366473.2); c.1855T>C, p.Tyr619His (NM_001366474.2); short protein forms Y1131H, Y1140H, Y944H, Y807H, Y952H, Y953H, Y943H, Y1017H.
Identifiers: ClinVar variation 3871653 (VCV003871653.1).

ClinVar aggregate classification (germline): Uncertain significance (1 of 4 stars; one submission).

Conditions:
Inborn genetic diseases. Identifiers: MedGen C0950123, MeSH D030342.

gnomAD v4.1: 2 of 1,543,442 alleles (0.00013%); highest among the groups gnomAD compares: Non-Finnish European, 0.00017%; no homozygotes.

Submission:

Ambry Genetics
Classification: Uncertain significance for Inborn genetic diseases. Last evaluated: 2024-12-30. Review status: criteria provided, single submitter. Criteria: Ambry Variant Classification Scheme 2023. Collection method: clinical testing. Allele origin: germline.
Comment: The p.Y1140H variant (also known as c.3418T>C), located in coding exon 16 of the MECOM gene, results from a T to C substitution at nucleotide position 3418. The tyrosine at codon 1140 is replaced by histidine, an amino acid with similar properties. This amino acid position is conserved. In addition, this alteration is predicted to be tolerated by in silico analysis. Based on the available evidence, the clinical significance of this variant remains unclear.